The following is an entry in ClinVar:

ClinVar aggregate classification (germline): Uncertain significance (1 of 4 stars; one submission).

Conditions:
Catecholaminergic polymorphic ventricular tachycardia (CVPT). Also called: Catecholamine-induced polymorphic ventricular tachycardia. Identifiers: Orphanet 3286, MedGen C5574922, MONDO:0017990.

gnomAD v4.1: 1 of 1,614,014 alleles (0.000062%); highest among the groups gnomAD compares: Non-Finnish European, 0.000085%; no homozygotes.

Submission:

All of Us Research Program, National Institutes of Health
Classification: Uncertain significance for Catecholaminergic polymorphic ventricular tachycardia. Last evaluated: 2024-05-09. Review status: criteria provided, single submitter. Criteria: ACMG Guidelines, 2015. Collection method: clinical testing. Allele origin: germline. Inheritance: Autosomal dominant inheritance. Observed: 1 variant allele, 1 heterozygote.
Comment: This study involves interpretation of variants in research participants for the purpose of population health screening. Participant phenotype was not available at the time of variant classification. Additional details can be found in publication PMID: 35346344, PMCID: PMC8962531

NM_001035.3(RYR2):c.7612A>G (p.Thr2538Ala)

Gene: RYR2 (ryanodine receptor 2; plus strand). Cytogenetic location: 1q43.
Variant type: single nucleotide variant.
Coding change: c.7612A>G on transcript NM_001035.3 (MANE Select); coding-DNA position 7612, A replaced by G.
Protein change: p.Thr2538Ala; replaces threonine 2538 with alanine.
Molecular consequence: missense variant.
Genome position (GRCh38, 1-based): chr1:237,649,976, A>G. VCF-style: chr1-237649976-A-G. GRCh37 (hg19) VCF-style: chr1-237813276-A-G.
Other names: short protein forms T2538A.
Identifiers: ClinVar variation 3385780 (VCV003385780.1).